The following is an entry in ClinVar:

NM_001211.6(BUB1B):c.43A>G (p.Met15Val)

Gene: BUB1B (BUB1 mitotic checkpoint serine/threonine kinase B; plus strand). Cytogenetic location: 15q15.1.
Variant type: single nucleotide variant.
Coding change: c.43A>G on transcript NM_001211.6 (MANE Select); coding-DNA position 43, A replaced by G.
Protein change: p.Met15Val; replaces methionine 15 with valine.
Molecular consequence: missense variant.
Genome position (GRCh38, 1-based): chr15:40,165,060, A>G. VCF-style: chr15-40165060-A-G. GRCh37 (hg19) VCF-style: chr15-40457261-A-G.
Other names: short protein forms M15V.
Identifiers: ClinVar variation 3483119 (VCV003483119.1).

ClinVar aggregate classification (germline): Uncertain significance (1 of 4 stars; one submission).

Conditions:
Inborn genetic diseases. Identifiers: MedGen C0950123, MeSH D030342.

Submission:

Ambry Genetics
Classification: Uncertain significance for Inborn genetic diseases. Last evaluated: 2024-10-23. Review status: criteria provided, single submitter. Criteria: Ambry Variant Classification Scheme 2023. Collection method: clinical testing. Allele origin: germline.
Comment: The p.M15V variant (also known as c.43A>G), located in coding exon 2 of the BUB1B gene, results from an A to G substitution at nucleotide position 43. The methionine at codon 15 is replaced by valine, an amino acid with highly similar properties. This amino acid position is conserved. In addition, this alteration is predicted to be tolerated by in silico analysis. Based on the available evidence, the clinical significance of this variant remains unclear.